The following is an entry in ClinVar:

ClinVar aggregate classification (germline): Uncertain significance (1 of 4 stars; one submission).

gnomAD v4.1: 11 of 1,613,626 alleles (0.00068%); highest among the groups gnomAD compares: Non-Finnish European, 0.00093%; no homozygotes.

Submission:

Labcorp Genetics (formerly Invitae), Labcorp
Classification: Uncertain significance. Last evaluated: 2025-07-09. Review status: criteria provided, single submitter. Criteria: Invitae Variant Classification Sherloc (09022015). Collection method: clinical testing. Allele origin: germline.
Comment: This sequence change replaces histidine, which is basic and polar, with glutamine, which is neutral and polar, at codon 667 of the TMPRSS15 protein (p.His667Gln). This variant is present in population databases (rs747558341, gnomAD 0.002%). This variant has not been reported in the literature in individuals affected with TMPRSS15-related conditions. An algorithm developed to predict the effect of missense changes on protein structure and function (PolyPhen-2) suggests that this variant is likely to be tolerated. In summary, the available evidence is currently insufficient to determine the role of this variant in disease. Therefore, it has been classified as a Variant of Uncertain Significance.

NM_002772.3(TMPRSS15):c.2001C>G (p.His667Gln)

Gene: TMPRSS15 (transmembrane serine protease 15; minus strand). Cytogenetic location: 21q21.1.
Variant type: single nucleotide variant.
Coding change: c.2001C>G on transcript NM_002772.3 (MANE Select); coding-DNA position 2001, C replaced by G.
Protein change: p.His667Gln; replaces histidine 667 with glutamine.
Molecular consequence: missense variant.
Genome position (GRCh38, 1-based): chr21:18,315,177, G>C on the plus strand (C>G on the coding strand, the complement: TMPRSS15 is on the minus strand). VCF-style: chr21-18315177-G-C. GRCh37 (hg19) VCF-style: chr21-19687494-G-C.
Other names: c.2136C>G, p.His712Gln (NM_001428056.1); c.2001C>G, p.His667Gln (NM_001428057.1); short protein forms H667Q, H712Q.
Identifiers: ClinVar variation 4805284 (VCV004805284.1).